The following is an entry in ClinVar:

NM_001011547.3(SLC5A9):c.454G>A (p.Val152Met)

Gene: SLC5A9 (solute carrier family 5 member 9; plus strand). Cytogenetic location: 1p33.
Variant type: single nucleotide variant.
Coding change: c.454G>A on transcript NM_001011547.3 (MANE Select); coding-DNA position 454, G replaced by A.
Protein change: p.Val152Met; replaces valine 152 with methionine.
Molecular consequence: missense variant.
Genome position (GRCh38, 1-based): chr1:48,229,409, G>A. VCF-style: chr1-48229409-G-A. GRCh37 (hg19) VCF-style: chr1-48695081-G-A.
Other names: c.529G>A, p.Val177Met (NM_001135181.2); short protein forms V152M, V177M.
Identifiers: ClinVar variation 3060286 (VCV003060286.2), dbSNP rs212989, ClinGen allele CA843548.

ClinVar aggregate classification (germline): Benign (0 of 4 stars; one submission).

Conditions:
SLC5A9-related disorder. Also called: SLC5A9-related condition.

Allele frequency attached by ClinVar (database versions not stated): gnomAD exomes 0.15572; ExAC 0.16215; 1000 Genomes Project 0.16933; 1000 Genomes Project 30x 0.17395; gnomAD 0.19351; TOPMed 0.19385; ESP Exome Variant Server 0.20644.
gnomAD v4.1: 257,394 of 1,613,922 alleles (16%); highest among the groups gnomAD compares: African/African-American, 31%; 22,384 homozygotes.

Submission:

PreventionGenetics, part of Exact Sciences
Classification: Benign for SLC5A9-related condition. Last evaluated: 2019-10-23. Review status: no assertion criteria provided. Collection method: clinical testing. Allele origin: germline.
Comment: This variant is classified as benign based on ACMG/AMP sequence variant interpretation guidelines (Richards et al. 2015 PMID: 25741868, with internal and published modifications).